The following is an entry in ClinVar:

ClinVar aggregate classification (germline): Uncertain significance (1 of 4 stars; one submission).

Conditions:
Generalized epilepsy with febrile seizures plus, type 9 (GEFSP9). Also called: GEFS+, TYPE 9. Identifiers: Orphanet 36387, MedGen C4015395, MONDO:0014517, OMIM 616172.

Submission:

Juno Genomics, Hangzhou Juno Genomics, Inc
Classification: Uncertain significance for Generalized epilepsy with febrile seizures plus, type 9. Review status: criteria provided, single submitter. Criteria: ACMG Guidelines, 2015. Collection method: clinical testing. Allele origin: germline.
Comment: Absent from controls (or at extremely low frequency if recessive) in Genome Aggregation Database.;Missense variant in a gene that has a low rate of benign missense variation.;Multiple lines of computational evidence suggest no impact on gene or gene product.

NM_052874.5(STX1B):c.853A>G (p.Thr285Ala)

Gene: STX1B (syntaxin 1B; minus strand). Cytogenetic location: 16p11.2.
Variant type: single nucleotide variant.
Coding change: c.853A>G on transcript NM_052874.5 (MANE Select); coding-DNA position 853, A replaced by G.
Protein change: p.Thr285Ala; replaces threonine 285 with alanine.
Molecular consequence: missense variant.
Genome position (GRCh38, 1-based): chr16:30,992,835, T>C on the plus strand (A>G on the coding strand, the complement: STX1B is on the minus strand). VCF-style: chr16-30992835-T-C. GRCh37 (hg19) VCF-style: chr16-31004156-T-C.
Other names: short protein forms T285A.
Identifiers: ClinVar variation 5019351 (VCV005019351.2).